The following is an entry in ClinVar:

ClinVar aggregate classification (germline): Benign. Review status: criteria provided, multiple submitters, no conflicts (2 of 4 stars). 3 submissions from 2 submitters: Benign (3). Last evaluated 2018-01-13.

Conditions:
Cataract 38. Also called: Cataract, autosomal recessive congenital 5; Cataract 38, autosomal recessive. Identifiers: Orphanet 91492, MedGen C3553494, MONDO:0013859, OMIM 614691.
Sengers syndrome. Also called: MITOCHONDRIAL DNA DEPLETION SYNDROME 10 (CARDIOMYOPATHIC TYPE); Cardiomyopathy and cataract. Identifiers: Orphanet 1369, MedGen C1859317, MONDO:0008922, OMIM 212350.

Allele frequency attached by ClinVar (database versions not stated): gnomAD 0.02792 and 0.03172; TOPMed 0.03051; 1000 Genomes Project 30x 0.05715; 1000 Genomes Project 0.05751.

Submissions (3):

Illumina Laboratory Services, Illumina
Classification: Benign for Sengers syndrome. Last evaluated: 2018-01-13. Review status: criteria provided, single submitter. Criteria: ICSL Variant Classification Criteria 13 December 2019. Collection method: clinical testing. Allele origin: germline.
Comment: This variant was observed in the ICSL laboratory as part of a predisposition screen in an ostensibly healthy population. It had not been previously curated by ICSL or reported in the Human Gene Mutation Database (HGMD: prior to June 1st, 2018), and was therefore a candidate for classification through an automated scoring system. Utilizing variant allele frequency, disease prevalence and penetrance estimates, and inheritance mode, an automated score was calculated to assess if this variant is too frequent to cause the disease. Based on the score and internal cut-off values, a variant classified as benign is not then subjected to further curation. The score for this variant resulted in a classification of benign for this disease.

Illumina Laboratory Services, Illumina
Classification: Benign for Cataract 38. Last evaluated: 2018-01-13. Review status: criteria provided, single submitter. Criteria: ICSL Variant Classification Criteria 13 December 2019. Collection method: clinical testing. Allele origin: germline.
Comment: the same text as in the submission from Illumina Laboratory Services, Illumina above.

Breakthrough Genomics
Classification: Benign. Review status: criteria provided, single submitter. Criteria: ACMG Guidelines, 2015. Collection method: not provided. Allele origin: germline. Inheritance: Autosomal recessive inheritance. Affected: yes.

NM_018238.4(AGK):c.*1175C>T

Gene: AGK (acylglycerol kinase; plus strand). Cytogenetic location: 7q34.
Variant type: single nucleotide variant.
Coding change: c.*1175C>T on transcript NM_018238.4 (MANE Select); 1175 bases downstream of the stop codon, C replaced by T.
Molecular consequence: 3 prime UTR variant.
Genome position (GRCh38, 1-based): chr7:141,654,099, C>T. VCF-style: chr7-141654099-C-T. GRCh37 (hg19) VCF-style: chr7-141353899-C-T.
Other names: c.*1175C>T (LRG_1251t1).
Identifiers: ClinVar variation 359080 (VCV000359080.6), dbSNP rs71545336, ClinGen allele CA10625380.